The following is an entry in ClinVar:

NM_001081.4(CUBN):c.7032T>A (p.Ser2344Arg)

Gene: CUBN (cubilin; minus strand). Cytogenetic location: 10p13.
Variant type: single nucleotide variant.
Coding change: c.7032T>A on transcript NM_001081.4 (MANE Select); coding-DNA position 7032, T replaced by A.
Protein change: p.Ser2344Arg; replaces serine 2344 with arginine.
Molecular consequence: missense variant.
Genome position (GRCh38, 1-based): chr10:16,915,999, A>T on the plus strand (T>A on the coding strand, the complement: CUBN is on the minus strand). VCF-style: chr10-16915999-A-T. GRCh37 (hg19) VCF-style: chr10-16957998-A-T.
Other names: short protein forms S2344R.
Identifiers: ClinVar variation 3900891 (VCV003900891.2).
Genomic context (GRCh38, chr10:16,915,999, plus strand): 5'-CTCACAGAATAAGTTGTCTCTGTATGGAAGTGTTGGATGTCCAATGCTTTCAACAACACC[A>T]CTTTGCCCTGGTACTCTTCCCCCACACTGAGCTGCAAAAAATAAAAATAAATAAATAAAT-3'
Protein context (NP_001072.2, residues 2334-2354): AQCGGRVPGQ[Ser2344Arg]GVVESIGHPT

ClinVar aggregate classification (germline): Uncertain significance. Review status: criteria provided, multiple submitters, no conflicts (2 of 4 stars). 2 submissions from 2 submitters: Uncertain significance (2). Last evaluated 2025-09-11.

Conditions:
Inborn genetic diseases. Identifiers: MedGen C0950123, MeSH D030342.

gnomAD v4.1: 2 of 1,614,130 alleles (0.00012%); highest among the groups gnomAD compares: Non-Finnish European, 0.00017%; no homozygotes.

Submissions (2):

Ambry Genetics
Classification: Uncertain significance for Inborn genetic diseases. Last evaluated: 2025-09-11. Review status: criteria provided, single submitter. Criteria: Ambry Variant Classification Scheme 2023. Collection method: clinical testing. Allele origin: germline.

GeneDx
Classification: Uncertain significance. Last evaluated: 2024-12-01. Review status: criteria provided, single submitter. Criteria: GeneDx Variant Classification Process June 2021. Collection method: clinical testing. Allele origin: germline. Affected: yes.
Comment: Not observed at significant frequency in large population cohorts (gnomAD); In silico analysis indicates that this missense variant does not alter protein structure/function; Has not been previously published as pathogenic or benign to our knowledge